The following is an entry in ClinVar:

NM_003501.3(ACOX3):c.259G>C (p.Glu87Gln)

Gene: ACOX3 (acyl-CoA oxidase 3, pristanoyl; minus strand). Cytogenetic location: 4p16.1.
Variant type: single nucleotide variant.
Coding change: c.259G>C on transcript NM_003501.3 (MANE Select); coding-DNA position 259, G replaced by C.
Protein change: p.Glu87Gln; replaces glutamic acid 87 with glutamine.
Molecular consequence: missense variant. On other transcripts: 5 prime UTR variant (1).
Genome position (GRCh38, 1-based): chr4:8,415,885, C>G on the plus strand (G>C on the coding strand, the complement: ACOX3 is on the minus strand). VCF-style: chr4-8415885-C-G. GRCh37 (hg19) VCF-style: chr4-8417612-C-G.
Other names: c.259G>C, p.Glu87Gln (NM_001101667.2, NM_001375783.1, NM_001375784.1 and 5 more transcripts); c.-27G>C (NM_001375789.1); short protein forms E87Q.
Identifiers: ClinVar variation 3026440 (VCV003026440.22), dbSNP rs371825392, ClinGen allele CA356249118.

ClinVar aggregate classification (germline): Uncertain significance (1 of 4 stars; one submission).

Submission:

CeGaT Center for Human Genetics Tuebingen
Classification: Uncertain significance. Last evaluated: 2024-01-01. Review status: criteria provided, single submitter. Criteria: CeGaT Center For Human Genetics Tuebingen Variant Classification Criteria Version 2. Collection method: clinical testing. Allele origin: germline. Affected: yes. Observed: 1 variant allele.
Comment: ACOX3: PM2, BP4